The following is an entry in ClinVar:

ClinVar aggregate classification (germline): Uncertain significance. Review status: criteria provided, multiple submitters, no conflicts (2 of 4 stars). 2 submissions from 2 submitters: Uncertain significance (2). Last evaluated 2025-12-04.

Conditions:
Neuroblastoma, susceptibility to, 3. Also called: ALK-Related Neuroblastic Tumor Susceptibility. Identifiers: Orphanet 635, MedGen C2751681, MONDO:0013083, OMIM 613014.
Hereditary cancer-predisposing syndrome. Also called: Hereditary neoplastic syndrome; Tumor predisposition; Hereditary Cancer Syndrome; Neoplastic Syndromes, Hereditary. Identifiers: Orphanet 140162, MedGen C0027672, MeSH D009386, MONDO:0015356.

Allele frequency attached by ClinVar (database versions not stated): ExAC 0.00001; gnomAD exomes 0.00001.
gnomAD v4.1: 4 of 1,611,474 alleles (0.00025%); highest among the groups gnomAD compares: East Asian, 0.0089%; no homozygotes.

Submissions (2):

Ambry Genetics
Classification: Uncertain significance for Hereditary cancer-predisposing syndrome. Last evaluated: 2025-12-04. Review status: criteria provided, single submitter. Criteria: Ambry Variant Classification Scheme 2023. Collection method: clinical testing. Allele origin: germline.
Comment: The c.3938+4A>G intronic variant results from an A to G substitution 4 nucleotides after coding exon 26 in the ALK gene. This nucleotide position is well conserved in available vertebrate species. In silico splice site analysis predicts that this alteration will weaken the native splice donor site. Based on the available evidence, the clinical significance of this variant remains unclear.

Labcorp Genetics (formerly Invitae), Labcorp
Classification: Uncertain significance for Neuroblastoma, susceptibility to, 3. Last evaluated: 2025-08-29. Review status: criteria provided, single submitter. Criteria: Invitae Variant Classification Sherloc (09022015). Collection method: clinical testing. Allele origin: germline.
Comment: This sequence change falls in intron 26 of the ALK gene. It does not directly change the encoded amino acid sequence of the ALK protein. It affects a nucleotide within the consensus splice site. This variant is present in population databases (rs754655331, gnomAD 0.01%). This variant has not been reported in the literature in individuals affected with ALK-related conditions. ClinVar contains an entry for this variant (Variation ID: 1428308). Variants that disrupt the consensus splice site are a relatively common cause of aberrant splicing (PMID: 17576681, 9536098). Algorithms developed to predict the effect of sequence changes on RNA splicing suggest that this variant may disrupt the consensus splice site. In summary, the available evidence is currently insufficient to determine the role of this variant in disease. Therefore, it has been classified as a Variant of Uncertain Significance.

Literature cited by the submitters: PubMed 17576681 (cited by Labcorp Genetics (formerly Invitae), Labcorp); PubMed 9536098 (cited by Labcorp Genetics (formerly Invitae), Labcorp).

NM_004304.5(ALK):c.3938+4A>G

Gene: ALK (ALK receptor tyrosine kinase; minus strand). Cytogenetic location: 2p23.2.
Variant type: single nucleotide variant.
Coding change: c.3938+4A>G on transcript NM_004304.5 (MANE Select); 4 bases into the intron after coding-DNA position 3938, A replaced by G.
Molecular consequence: intron variant.
Genome position (GRCh38, 1-based): chr2:29,207,167, T>C on the plus strand (A>G on the coding strand, the complement: ALK is on the minus strand). VCF-style: chr2-29207167-T-C. GRCh37 (hg19) VCF-style: chr2-29430033-T-C.
Other names: c.734+4A>G (NM_001353765.2); c.3938+4A>G (NM_004304.4).
Identifiers: ClinVar variation 1428308 (VCV001428308.7), dbSNP rs754655331, ClinGen allele CA1593729.
Genomic context (GRCh38, chr2:29,207,167, plus strand): 5'-TCCTTTGGCCCAGGAGCACCACCTTATGGCTGCAGGGATACCTGGAGGATGATGGCTGAC[T>C]TACCATGTGTCTGTTTTAGAAGTGAATATTCCTTCCATGAAGGCCTCTGGGGGCATCCAC-3'